The following is an entry in ClinVar:

NM_006486.3(FBLN1):c.2012A>C (p.His671Pro)

Gene: FBLN1 (fibulin 1; plus strand). Cytogenetic location: 22q13.31.
Variant type: single nucleotide variant.
Coding change: c.2012A>C on transcript NM_006486.3 (MANE Select); coding-DNA position 2012, A replaced by C.
Protein change: p.His671Pro; replaces histidine 671 with proline.
Molecular consequence: missense variant.
Genome position (GRCh38, 1-based): chr22:45,600,346, A>C. VCF-style: chr22-45600346-A-C. GRCh37 (hg19) VCF-style: chr22-45996226-A-C.
Other names: short protein forms H671P.
Identifiers: ClinVar variation 4716424 (VCV004716424.1).

ClinVar aggregate classification (germline): Uncertain significance (1 of 4 stars; one submission).

Submission:

Labcorp Genetics (formerly Invitae), Labcorp
Classification: Uncertain significance. Last evaluated: 2025-04-01. Review status: criteria provided, single submitter. Criteria: Invitae Variant Classification Sherloc (09022015). Collection method: clinical testing. Allele origin: germline.
Comment: This sequence change replaces histidine, which is basic and polar, with proline, which is neutral and non-polar, at codon 671 of the FBLN1 protein (p.His671Pro). This variant is not present in population databases (gnomAD no frequency). This variant has not been reported in the literature in individuals affected with FBLN1-related conditions. An algorithm developed to predict the effect of missense changes on protein structure and function (PolyPhen-2) suggests that this variant is likely to be disruptive. In summary, the available evidence is currently insufficient to determine the role of this variant in disease. Therefore, it has been classified as a Variant of Uncertain Significance.